The following is an entry in ClinVar:

NM_004656.4(BAP1):c.659+8C>T

Gene: BAP1 (BRCA1 associated deubiquitinase 1; minus strand). Cytogenetic location: 3p21.1.
Variant type: single nucleotide variant.
Coding change: c.659+8C>T on transcript NM_004656.4 (MANE Select); 8 bases into the intron after coding-DNA position 659, C replaced by T.
Molecular consequence: intron variant.
Genome position (GRCh38, 1-based): chr3:52,406,821, G>A on the plus strand (C>T on the coding strand, the complement: BAP1 is on the minus strand). VCF-style: chr3-52406821-G-A. GRCh37 (hg19) VCF-style: chr3-52440837-G-A.
Other names: c.659+8C>T (NM_001410772.1).
Identifiers: ClinVar variation 3379100 (VCV003379100.1).

ClinVar aggregate classification (germline): Likely benign (1 of 4 stars; one submission).

Conditions:
BAP1-related tumor predisposition syndrome (TPDS1). Also called: BAP1 tumor predisposition syndrome; Tumor susceptibility linked to germline BAP1 mutations; COMMON Syndrome; TUMOR PREDISPOSITION SYNDROME 1. Identifiers: Orphanet 289539, MedGen C3280492, MONDO:0013692, OMIM 614327.

Submission:

Myriad Genetics, Inc.
Classification: Likely benign for BAP1-related tumor predisposition syndrome. Last evaluated: 2024-07-12. Review status: criteria provided, single submitter. Criteria: Myriad Autosomal Dominant, Autosomal Recessive and X-Linked Classification Criteria (2023). Collection method: clinical testing. Allele origin: unknown.
Comment: This variant is considered likely benign. This variant is intronic and is not expected to impact mRNA splicing.